The following is an entry in ClinVar:

ClinVar aggregate classification (germline): Uncertain significance (1 of 4 stars; one submission).

Conditions:
Arrhythmogenic cardiomyopathy with wooly hair and keratoderma. Also called: PALMOPLANTAR KERATODERMA WITH LEFT VENTRICULAR CARDIOMYOPATHY AND WOOLLY HAIR; Carvajal syndrome; Dilated cardiomyopathy with woolly hair and keratoderma; Arrhythmogenic cardiomyopathy with woolly hair and keratoderma. Identifiers: Orphanet 65282, MedGen C1854063, MONDO:0011581, OMIM 605676.

Submission:

All of Us Research Program, National Institutes of Health
Classification: Uncertain significance for Arrhythmogenic cardiomyopathy with wooly hair and keratoderma. Last evaluated: 2023-05-16. Review status: criteria provided, single submitter. Criteria: ACMG Guidelines, 2015. Collection method: clinical testing. Allele origin: germline. Inheritance: Autosomal dominant inheritance. Observed: 1 variant allele, 1 heterozygote.
Comment: This missense variant replaces tryptophan with glycine at codon 2503 of the DSP protein. Computational prediction suggests that this variant may have deleterious impact on protein structure and function (internally defined REVEL score threshold >= 0.7, PMID: 27666373). To our knowledge, functional studies have not been reported for this variant. This variant has not been reported in individuals affected with DSP-related disorders in the literature. This variant has not been identified in the general population by the Genome Aggregation Database (gnomAD). The available evidence is insufficient to determine the role of this variant in disease conclusively. Therefore, this variant is classified as a Variant of Uncertain Significance.

This study involves interpretation of variants in research participants for the purpose of population health screening. Participant phenotype was not available at the time of variant classification. Additional details can be found in publication PMID: 35346344, PMCID: PMC8962531

NM_004415.4(DSP):c.7507T>G (p.Trp2503Gly)

Gene: DSP (desmoplakin; plus strand). Cytogenetic location: 6p24.3.
Variant type: single nucleotide variant.
Coding change: c.7507T>G on transcript NM_004415.4 (MANE Select); coding-DNA position 7507, T replaced by G.
Protein change: p.Trp2503Gly; replaces tryptophan 2503 with glycine.
Molecular consequence: missense variant.
Genome position (GRCh38, 1-based): chr6:7,584,769, T>G. VCF-style: chr6-7584769-T-G. GRCh37 (hg19) VCF-style: chr6-7585002-T-G.
Other names: c.5710T>G, p.Trp1904Gly (NM_001008844.3); c.6178T>G, p.Trp2060Gly (NM_001319034.2); short protein forms W1904G, W2060G, W2503G.
Identifiers: ClinVar variation 3071227 (VCV003071227.1), dbSNP rs761369999, ClinGen allele CA362693170.